The following is an entry in ClinVar:

NM_003079.5(SMARCE1):c.764A>G (p.Lys255Arg)

Gene: SMARCE1 (SWI/SNF related BAF chromatin remodeling complex subunit E1; minus strand). Cytogenetic location: 17q21.2.
Variant type: single nucleotide variant.
Coding change: c.764A>G on transcript NM_003079.5 (MANE Select); coding-DNA position 764, A replaced by G.
Protein change: p.Lys255Arg; replaces lysine 255 with arginine.
Molecular consequence: missense variant.
Genome position (GRCh38, 1-based): chr17:40,631,644, T>C on the plus strand (A>G on the coding strand, the complement: SMARCE1 is on the minus strand). VCF-style: chr17-40631644-T-C. GRCh37 (hg19) VCF-style: chr17-38787896-T-C.
Other names: short protein forms K255R.
Identifiers: ClinVar variation 949778 (VCV000949778.9), dbSNP rs2037096715, ClinGen allele CA399364404.

ClinVar aggregate classification (germline): Uncertain significance (1 of 4 stars; one submission).

Conditions:
Familial meningioma. Also called: Meningioma, familial, susceptibility to. Identifiers: Orphanet 263662, MedGen C3551915, MONDO:0011789, OMIM 607174.

gnomAD v4.1: 1 of 1,611,712 alleles (0.000062%); no homozygotes.

Submission:

Labcorp Genetics (formerly Invitae), Labcorp
Classification: Uncertain significance for Familial meningioma. Last evaluated: 2025-07-15. Review status: criteria provided, single submitter. Criteria: Invitae Variant Classification Sherloc (09022015). Collection method: clinical testing. Allele origin: germline.
Comment: This sequence change replaces lysine, which is basic and polar, with arginine, which is basic and polar, at codon 255 of the SMARCE1 protein (p.Lys255Arg). This variant is not present in population databases (gnomAD no frequency). This variant has not been reported in the literature in individuals affected with SMARCE1-related conditions. ClinVar contains an entry for this variant (Variation ID: 949778). Invitae Evidence Modeling of protein sequence and biophysical properties (such as structural, functional, and spatial information, amino acid conservation, physicochemical variation, residue mobility, and thermodynamic stability) indicates that this missense variant is not expected to disrupt SMARCE1 protein function with a negative predictive value of 80%. In summary, the available evidence is currently insufficient to determine the role of this variant in disease. Therefore, it has been classified as a Variant of Uncertain Significance.